The following is an entry in ClinVar:

ClinVar aggregate classification (germline): Uncertain significance (0 of 4 stars; one submission).

Conditions:
MSX2-related disorder. Also called: MSX2-related condition.

Allele frequency attached by ClinVar (database versions not stated): TOPMed below 0.00001; ExAC 0.00001; gnomAD exomes 0.00001.
gnomAD v4.1: 11 of 1,614,176 alleles (0.00068%); highest among the groups gnomAD compares: Non-Finnish European, 0.00076%; no homozygotes.

Submission:

PreventionGenetics, part of Exact Sciences
Classification: Uncertain significance for MSX2-related condition. Last evaluated: 2024-02-16. Review status: no assertion criteria provided. Collection method: clinical testing. Allele origin: germline.
Comment: The MSX2 c.514C>T variant is predicted to result in the amino acid substitution p.Arg172Cys. This variant was reported in an individual with autism spectrum disorder (Fu et al. 2022. PubMed ID: 35982160, reported as 174729293:C:T). This variant is reported in 0.0026% of alleles in individuals of European (Non-Finnish) descent in gnomAD. At this time, the clinical significance of this variant is uncertain due to the absence of conclusive functional and genetic evidence.

NM_002449.5(MSX2):c.514C>T (p.Arg172Cys)

Gene: MSX2 (msh homeobox 2; plus strand). Cytogenetic location: 5q35.2.
Variant type: single nucleotide variant.
Coding change: c.514C>T on transcript NM_002449.5 (MANE Select); coding-DNA position 514, C replaced by T.
Protein change: p.Arg172Cys; replaces arginine 172 with cysteine.
Molecular consequence: missense variant. On other transcripts: 3 prime UTR variant (1).
Genome position (GRCh38, 1-based): chr5:174,729,293, C>T. VCF-style: chr5-174729293-C-T. GRCh37 (hg19) VCF-style: chr5-174156296-C-T.
Other names: c.*138C>T (NM_001363626.2); short protein forms R172C.
Identifiers: ClinVar variation 3036801 (VCV003036801.2), dbSNP rs764005351, ClinGen allele CA3565224.